The following is an entry in ClinVar:

ClinVar aggregate classification (germline): Uncertain significance (1 of 4 stars; one submission).

Conditions:
Hereditary cancer-predisposing syndrome. Also called: Tumor predisposition; Neoplastic Syndromes, Hereditary; Hereditary Cancer Syndrome; Hereditary neoplastic syndrome. Identifiers: Orphanet 140162, MedGen C0027672, MeSH D009386, MONDO:0015356.

Submission:

Ambry Genetics
Classification: Uncertain significance for Hereditary cancer-predisposing syndrome. Last evaluated: 2026-02-16. Review status: criteria provided, single submitter. Criteria: Ambry Variant Classification Scheme 2023. Collection method: clinical testing. Allele origin: germline.
Comment: The c.1686+4A>G intronic variant results from an A to G substitution 4 nucleotides after coding exon 12 in the POLD1 gene. This nucleotide position is well conserved in available vertebrate species. In silico splice site analysis predicts that this alteration may result in the creation or strengthening of a novel splice donor site. Based on the available evidence, the clinical significance of this variant remains unclear.

NM_002691.4(POLD1):c.1686+4A>G

Gene: POLD1 (DNA polymerase delta 1, catalytic subunit; plus strand). Cytogenetic location: 19q13.33.
Variant type: single nucleotide variant.
Coding change: c.1686+4A>G on transcript NM_002691.4 (MANE Select); 4 bases into the intron after coding-DNA position 1686, A replaced by G.
Molecular consequence: intron variant.
Genome position (GRCh38, 1-based): chr19:50,407,178, A>G. VCF-style: chr19-50407178-A-G. GRCh37 (hg19) VCF-style: chr19-50910435-A-G.
Other names: c.1686+4A>G (NM_001256849.1, NM_001308632.1).
Identifiers: ClinVar variation 819815 (VCV000819815.5), dbSNP rs1601220189, ClinGen allele CA915951939.